The following is an entry in ClinVar:

NM_004115.4(FGF14):c.256C>A (p.His86Asn)

Gene: FGF14 (fibroblast growth factor 14; minus strand). Cytogenetic location: 13q33.1.
Variant type: single nucleotide variant.
Coding change: c.256C>A on transcript NM_004115.4 (MANE Select); coding-DNA position 256, C replaced by A.
Protein change: p.His86Asn; replaces histidine 86 with asparagine.
Molecular consequence: missense variant. On other transcripts: intron variant (1).
Genome position (GRCh38, 1-based): chr13:101,875,234, G>T on the plus strand (C>A on the coding strand, the complement: FGF14 is on the minus strand). VCF-style: chr13-101875234-G-T. GRCh37 (hg19) VCF-style: chr13-102527584-G-T.
Other names: c.256C>A (NM_004115.3); c.4C>A, p.His2Asn (NM_001321931.1, NM_001321934.1, NM_001321935.1 and 4 more transcripts); c.67C>A, p.His23Asn (NM_001321932.1, NM_001321936.1, NM_001321944.1); c.76C>A, p.His26Asn (NM_001321933.1, NM_001321938.2, NM_001321940.1); c.271C>A, p.His91Asn (NM_001321937.2, NM_175929.3); c.70C>A, p.His24Asn (NM_001321941.2); c.154C>A, p.His52Asn (NM_001321945.2, NM_001321948.2, NM_001379342.1); c.115C>A, p.His39Asn (NM_001321947.2); and 1 more; short protein forms H91N, H24N, H26N, H23N, H52N, H86N, H2N, H39N.
Identifiers: ClinVar variation 585855 (VCV000585855.8), dbSNP rs758950207, ClinGen allele CA7037216.

ClinVar aggregate classification (germline): Uncertain significance. Review status: criteria provided, multiple submitters, no conflicts (2 of 4 stars). 4 submissions from 4 submitters: Uncertain significance (4). Last evaluated 2024-11-11.

Conditions:
Inborn genetic diseases. Identifiers: MedGen C0950123, MeSH D030342.

Allele frequency attached by ClinVar (database versions not stated): ExAC 0.00001; gnomAD 0.00001 and 0.00002; gnomAD exomes 0.00001 and 0.00002; TOPMed 0.00001.
gnomAD v4.1: 23 of 1,613,478 alleles (0.0014%); highest among the groups gnomAD compares: Middle Eastern, 0.083%; no homozygotes.

Submissions (4):

Labcorp Genetics (formerly Invitae), Labcorp
Classification: Uncertain significance. Last evaluated: 2024-11-11. Review status: criteria provided, single submitter. Criteria: Invitae Variant Classification Sherloc (09022015). Collection method: clinical testing. Allele origin: germline.
Comment: This sequence change replaces histidine, which is basic and polar, with asparagine, which is neutral and polar, at codon 86 of the FGF14 protein (p.His86Asn). This variant is present in population databases (rs758950207, gnomAD 0.006%). This variant has not been reported in the literature in individuals affected with FGF14-related conditions. ClinVar contains an entry for this variant (Variation ID: 585855). Invitae Evidence Modeling of protein sequence and biophysical properties (such as structural, functional, and spatial information, amino acid conservation, physicochemical variation, residue mobility, and thermodynamic stability) indicates that this missense variant is not expected to disrupt FGF14 protein function with a negative predictive value of 80%. In summary, the available evidence is currently insufficient to determine the role of this variant in disease. Therefore, it has been classified as a Variant of Uncertain Significance.

Ambry Genetics
Classification: Uncertain significance for Inborn genetic diseases. Last evaluated: 2023-12-14. Review status: criteria provided, single submitter. Criteria: Ambry Variant Classification Scheme 2023. Collection method: clinical testing. Allele origin: germline.

Athena Diagnostics
Classification: Uncertain significance. Last evaluated: 2023-04-28. Review status: criteria provided, single submitter. Criteria: Athena Diagnostics Criteria. Collection method: clinical testing. Allele origin: unknown.
Comment: Available data are insufficient to determine the clinical significance of the variant at this time. The frequency of this variant in the general population is uninformative in assessment of its pathogenicity. This variant has been seen where an alternate explanation for disease was also identified, suggesting this variant may not cause disease. Computational tools predict that this variant is not damaging.

Revvity Omics, Revvity
Classification: Uncertain significance. Last evaluated: 2023-03-09. Review status: criteria provided, single submitter. Criteria: ACMG Guidelines, 2015. Collection method: clinical testing. Allele origin: germline.